The following is an entry in ClinVar:

NM_001114753.3(ENG):c.157T>C (p.Cys53Arg)

Gene: ENG (endoglin; minus strand). Cytogenetic location: 9q34.11.
Variant type: single nucleotide variant.
Coding change: c.157T>C on transcript NM_001114753.3 (MANE Select); coding-DNA position 157, T replaced by C.
Protein change: p.Cys53Arg; replaces cysteine 53 with arginine.
Molecular consequence: missense variant. On other transcripts: 5 prime UTR variant (1).
Genome position (GRCh38, 1-based): chr9:127,843,156, A>G on the plus strand (T>C on the coding strand, the complement: ENG is on the minus strand). VCF-style: chr9-127843156-A-G. GRCh37 (hg19) VCF-style: chr9-130605435-A-G.
Other names: c.157T>C, p.Cys53Arg (NM_000118.4, NM_001406715.1); c.-390T>C (NM_001278138.2); short protein forms C53R.
Identifiers: ClinVar variation 1775674 (VCV001775674.5), dbSNP rs2539107399, ClinGen allele CA374989029.

ClinVar aggregate classification (germline): Pathogenic/Likely pathogenic. Review status: criteria provided, multiple submitters, no conflicts (2 of 4 stars). 2 submissions from 2 submitters: Pathogenic (1); Likely pathogenic (1). Last evaluated 2023-10-28.

Conditions:
Cardiovascular phenotype. Identifiers: MedGen CN230736.
Hereditary hemorrhagic telangiectasia (HHT). Also called: ORW DISEASE; Osler Weber Rendu syndrome; OSLER-RENDU-WEBER DISEASE; Osler hemorrhagic telangiectasia syndrome. Identifiers: Orphanet 774, MedGen C0039445, MONDO:0019180. Disease mechanism: loss of function.

Submissions (2):

Labcorp Genetics (formerly Invitae), Labcorp
Classification: Pathogenic for Hereditary hemorrhagic telangiectasia. Last evaluated: 2023-10-28. Review status: criteria provided, single submitter. Criteria: Invitae Variant Classification Sherloc (09022015). Collection method: clinical testing. Allele origin: germline.
Comment: This sequence change replaces cysteine, which is neutral and slightly polar, with arginine, which is basic and polar, at codon 53 of the ENG protein (p.Cys53Arg). This variant is not present in population databases (gnomAD no frequency). This missense change has been observed in individual(s) with hereditary hemorrhagic telangiectasia (PMID: 9554745, 32300199). ClinVar contains an entry for this variant (Variation ID: 1775674). Advanced modeling of protein sequence and biophysical properties (such as structural, functional, and spatial information, amino acid conservation, physicochemical variation, residue mobility, and thermodynamic stability) performed at Invitae indicates that this missense variant is expected to disrupt ENG protein function with a positive predictive value of 95%. Experimental studies have shown that this missense change affects ENG function (PMID: 22022569). For these reasons, this variant has been classified as Pathogenic.

Ambry Genetics
Classification: Likely pathogenic for Cardiovascular phenotype. Last evaluated: 2021-12-02. Review status: criteria provided, single submitter. Criteria: Ambry Variant Classification Scheme 2023. Collection method: clinical testing. Allele origin: germline.
Comment: The p.C53R variant (also known as c.157T>C), located in coding exon 2 of the ENG gene, results from a T to C substitution at nucleotide position 157. The cysteine at codon 53 is replaced by arginine, an amino acid with highly dissimilar properties. This variant was reported in eight family members with hereditary hemorrhagic telangiectasia (HHT) (Gallione et al. Hum Mutat. 1998;11(4):286-94). In another study this variant was reported in one family with milder symptoms (Bayrac-Toydemir et al. Am J Med Genet A. 2006;140(5):463-70). Multiple studies have reported this alteration causes reduced expression of normal endoglin at the cell surface (Pece-Barbara et. al. Hum Mol Genet. 1999;8(12):2171-81, Ali et al. PLoS One. 2011; 6(10):e26206, Llorca et al. J Mol Biol. 2007;365(3):694-705). This variant is considered to be rare based on population cohorts in the Genome Aggregation Database (gnomAD). This amino acid position is highly conserved in available vertebrate species. In addition, this alteration is predicted to be deleterious by in silico analysis. Based on the majority of available evidence to date, this variant is likely to be pathogenic.

Literature cited by the submitters: PubMed 9554745 (cited by Labcorp Genetics (formerly Invitae), Labcorp); PubMed 32300199 (cited by Labcorp Genetics (formerly Invitae), Labcorp); PubMed 22022569 (cited by Labcorp Genetics (formerly Invitae), Labcorp); PubMed 10749981 (cited by Ambry Genetics).